The following is an entry in ClinVar:

NM_015021.3(ZNF292):c.7978C>T (p.Leu2660Phe)

Gene: ZNF292 (zinc finger protein 292; plus strand). Cytogenetic location: 6q14.3.
Variant type: single nucleotide variant.
Coding change: c.7978C>T on transcript NM_015021.3 (MANE Select); coding-DNA position 7978, C replaced by T.
Protein change: p.Leu2660Phe; replaces leucine 2660 with phenylalanine.
Molecular consequence: missense variant.
Genome position (GRCh38, 1-based): chr6:87,261,607, C>T. VCF-style: chr6-87261607-C-T. GRCh37 (hg19) VCF-style: chr6-87971325-C-T.
Other names: c.7558C>T, p.Leu2520Phe (NM_001351444.2); short protein forms L2520F, L2660F.
Identifiers: ClinVar variation 4887803 (VCV004887803.1).

ClinVar aggregate classification (germline): Uncertain significance (1 of 4 stars; one submission).

Submission:

Women's Health and Genetics/Laboratory Corporation of America, LabCorp
Classification: Uncertain significance. Last evaluated: 2026-06-19. Review status: criteria provided, single submitter. Criteria: LabCorp Variant Classification Summary - May 2015. Collection method: clinical testing. Allele origin: germline.
Comment: Variant summary: ZNF292 c.7978C>T (p.Leu2660Phe) results in a non-conservative amino acid change in the encoded protein sequence. Algorithms developed to predict the effect of missense changes on protein structure and function are either unavailable or do not agree on the potential impact of this missense change. The variant was absent in 243460 control chromosomes. The available data on variant occurrences in the general population are insufficient to allow any conclusion about variant significance. To our knowledge, no occurrence of c.7978C>T in individuals affected with ZNF292-related conditions and no experimental evidence demonstrating its impact on protein function have been reported. No submitters have cited clinical-significance assessments for this variant to ClinVar. Based on the evidence outlined above, the variant was classified as uncertain significance.